The following is an entry in ClinVar:

NM_000038.6(APC):c.1735G>T (p.Val579Phe)

Gene: APC (APC regulator of Wnt signaling pathway; plus strand). Cytogenetic location: 5q22.2.
Variant type: single nucleotide variant.
Coding change: c.1735G>T on transcript NM_000038.6 (MANE Select); coding-DNA position 1735, G replaced by T.
Protein change: p.Val579Phe; replaces valine 579 with phenylalanine.
Molecular consequence: missense variant.
Genome position (GRCh38, 1-based): chr5:112,828,964, G>T. VCF-style: chr5-112828964-G-T. GRCh37 (hg19) VCF-style: chr5-112164661-G-T.
Other names: c.1681G>T, p.Val561Phe (NM_001127511.3); c.1735G>T, p.Val579Phe (NM_001354895.2, NM_001407450.1, NM_001127510.3); c.1789G>T, p.Val597Phe (NM_001354896.2, NM_001407447.1, NM_001407448.1 and 1 more transcripts); c.1765G>T, p.Val589Phe (NM_001354897.2); c.1660G>T, p.Val554Phe (NM_001354898.2); c.1651G>T, p.Val551Phe (NM_001354899.2); c.1432G>T, p.Val478Phe (NM_001354903.2, NM_001407458.1, NM_001407459.1 and 1 more transcripts); c.1357G>T, p.Val453Phe (NM_001354904.2); and 11 more; short protein forms V450F, V453F, V478F, V488F, V561F, V589F, V195F, V296F.
Identifiers: ClinVar variation 4827276 (VCV004827276.1).
Genomic context (GRCh38, chr5:112,828,964, plus strand): 5'-AGTAAAAAGACGTTGCGAGAAGTTGGAAGTGTGAAAGCATTGATGGAATGTGCTTTAGAA[G>T]TTAAAAAGGTACCTTTGAAAACATTTAGTACTATAATATGAATTTCATGTTTGGCTTTTT-3'
Protein context (NP_000029.2, residues 569-589): VKALMECALE[Val579Phe]KKESTLKSVL

ClinVar aggregate classification (germline): Uncertain significance (1 of 4 stars; one submission).

Conditions:
Hereditary cancer-predisposing syndrome. Also called: Neoplastic Syndromes, Hereditary; Tumor predisposition; Hereditary Cancer Syndrome; Hereditary neoplastic syndrome. Identifiers: Orphanet 140162, MedGen C0027672, MeSH D009386, MONDO:0015356.

Submission:

Ambry Genetics
Classification: Uncertain significance for Hereditary cancer-predisposing syndrome. Last evaluated: 2026-02-23. Review status: criteria provided, single submitter. Criteria: Ambry Variant Classification Scheme 2023. Collection method: clinical testing. Allele origin: germline.
Comment: The p.V579F variant (also known as c.1735G>T), located in coding exon 13 of the APC gene, results from a G to T substitution at nucleotide position 1735. The valine at codon 579 is replaced by phenylalanine, an amino acid with highly similar properties. This amino acid position is conserved. In addition, in silico predictors for this gene do not accurately predict pathogenicity. Based on the available evidence, the clinical significance of this variant remains unclear.